The following is an entry in ClinVar:

ClinVar aggregate classification (germline): Benign/Likely benign. Review status: criteria provided, multiple submitters, no conflicts (2 of 4 stars). 16 submissions from 16 submitters: Benign (8); Likely benign (3). 5 of the submissions do not count toward it. Last evaluated 2026-02-03.

Conditions:
Hypertrophic cardiomyopathy. Also called: HYPERTROPHIC MYOCARDIOPATHY. Identifiers: Orphanet 217569, MedGen C0007194, MeSH D002312, MONDO:0005045, HP:0001639.
Restrictive cardiomyopathy. Identifiers: Orphanet 217632, MedGen C0007196, MeSH D002313, MONDO:0005201, HP:0001723.
Cardiovascular phenotype. Identifiers: MedGen CN230736.
Cardiomyopathy (CMYO). Also called: Cardiomyopathies. Identifiers: Orphanet 167848, MedGen C0878544, MONDO:0004994, HP:0001638. Inheritance: Various modes of inheritance.
Hypertrophic cardiomyopathy 14. Identifiers: MedGen C2750467, MONDO:0013197, OMIM 613251.

Allele frequency attached by ClinVar (database versions not stated): gnomAD 0.00217; ESP Exome Variant Server 0.00300; TOPMed 0.00308; ExAC 0.00325; 1000 Genomes Project 0.00419; 1000 Genomes Project 30x 0.00468.
gnomAD v4.1: 5,005 of 1,614,204 alleles (0.31%); highest among the groups gnomAD compares: East Asian, 1.3%; 21 homozygotes.

Submissions (16):

Labcorp Genetics (formerly Invitae), Labcorp
Classification: Benign for Hypertrophic cardiomyopathy 14. Last evaluated: 2026-02-03. Review status: criteria provided, single submitter. Criteria: Invitae Variant Classification Sherloc (09022015). Collection method: clinical testing. Allele origin: germline.

CeGaT Center for Human Genetics Tuebingen
Classification: Benign. Last evaluated: 2026-02-01. Review status: criteria provided, single submitter. Criteria: CeGaT Center For Human Genetics Tuebingen Variant Classification Criteria Version 2. Collection method: clinical testing. Allele origin: germline. Affected: yes. Observed: 2 variant alleles.
Comment: MYH6: BS1, BS2

ARUP Laboratories, Molecular Genetics and Genomics, ARUP Laboratories
Classification: Benign. Last evaluated: 2024-07-25. Review status: criteria provided, single submitter. Criteria: ARUP Molecular Germline Variant Investigation Process 2024. Collection method: clinical testing. Allele origin: germline.

Center for Advanced Laboratory Medicine, UC San Diego Health, University of California San Diego
Classification: Benign for Hypertrophic cardiomyopathy; Restrictive cardiomyopathy. Last evaluated: 2019-01-31. Review status: criteria provided, single submitter. Criteria: ACMG Guidelines, 2015. Collection method: clinical testing. Allele origin: germline. Affected: yes. Observed: 2 variant alleles.

Center for Pediatric Genomic Medicine, Children's Mercy Hospital and Clinics
Classification: Likely benign. Last evaluated: 2017-05-30. Review status: criteria provided, single submitter. Criteria: ACMG Guidelines, 2015. Collection method: clinical testing. Allele origin: germline.

CHEO Genetics Diagnostic Laboratory, Children's Hospital of Eastern Ontario
Classification: Benign for Cardiomyopathy. Last evaluated: 2017-04-21. Review status: criteria provided, single submitter. Criteria: ACMG Guidelines, 2015. Collection method: clinical testing. Allele origin: germline. Study: Canadian Open Genetics Repository.

GeneDx
Classification: Benign. Last evaluated: 2016-11-10. Review status: criteria provided, single submitter. Criteria: GeneDx Variant Classification (06012015). Collection method: clinical testing. Allele origin: germline. Affected: yes.
Comment: This variant is considered likely benign or benign based on one or more of the following criteria: it is a conservative change, it occurs at a poorly conserved position in the protein, it is predicted to be benign by multiple in silico algorithms, and/or has population frequency not consistent with disease.

Molecular Diagnostic Laboratory for Inherited Cardiovascular Disease, Montreal Heart Institute
Classification: Likely benign. Last evaluated: 2016-08-31. Review status: criteria provided, single submitter. Criteria: ACMG Guidelines, 2015. Collection method: clinical testing. Allele origin: germline. Affected: yes.

Ambry Genetics
Classification: Benign for Cardiovascular phenotype. Last evaluated: 2015-10-27. Review status: criteria provided, single submitter. Criteria: Ambry Variant Classification Scheme 2023. Collection method: clinical testing. Allele origin: germline.

Laboratory for Molecular Medicine, Mass General Brigham Personalized Medicine
Classification: Benign. Last evaluated: 2015-05-20. Review status: criteria provided, single submitter. Criteria: LMM Criteria. Collection method: clinical testing. Allele origin: germline. Observed: 10 variant alleles.
Comment: p.Glu1295Gln in exon 28 of MYH6: This variant is not expected to have clinical s ignificance because it has been identified in 1.7% (151/8650) of East Asian chro mosomes, including 1 homozygote, by the Exome Aggregation Consortium (ExAC; dbSNP rs34935550).

Biesecker Lab/Clinical Genomics Section, National Institutes of Health
Classification: Likely benign. Last evaluated: 2013-06-24. Review status: criteria provided, single submitter. Criteria: Ng et al. (Circ Cardiovasc Genet. 2013). Collection method: research. Allele origin: unknown. Observed: 5 variant alleles. Study: ClinSeq.
Comment: The study set was not selected for affection status in relation to any cancer. Pathogenicity categories were based on literature curation. See Pubmed ID:23861362 for details.

Medical sequencing

Clinical Genetics DNA and cytogenetics Diagnostics Lab, Erasmus MC, Erasmus Medical Center
Classification: Benign. Review status: no assertion criteria provided. Collection method: clinical testing. Allele origin: germline. Affected: yes. Study: VKGL Data-share Consensus. Not counted in ClinVar's aggregate classification.

Clinical Genetics, Academic Medical Center
Classification: Benign. Review status: no assertion criteria provided. Collection method: clinical testing. Allele origin: germline. Affected: yes. Study: VKGL Data-share Consensus. Not counted in ClinVar's aggregate classification.

Diagnostic Laboratory, Department of Genetics, University Medical Center Groningen
Classification: Likely benign. Review status: no assertion criteria provided. Collection method: clinical testing. Allele origin: germline. Affected: yes. Study: VKGL Data-share Consensus. Not counted in ClinVar's aggregate classification.

Genome Diagnostics Laboratory, University Medical Center Utrecht
Classification: Benign. Review status: no assertion criteria provided. Collection method: clinical testing. Allele origin: germline. Affected: yes. Study: VKGL Data-share Consensus. Not counted in ClinVar's aggregate classification.

Joint Genome Diagnostic Labs from Nijmegen and Maastricht, Radboudumc and MUMC+
Classification: Benign. Review status: no assertion criteria provided. Collection method: clinical testing. Allele origin: germline. Affected: yes. Study: VKGL Data-share Consensus. Not counted in ClinVar's aggregate classification.

NM_002471.4(MYH6):c.3883G>C (p.Glu1295Gln)

Gene: MYH6 (myosin heavy chain 6; minus strand). Cytogenetic location: 14q11.2.
Variant type: single nucleotide variant.
Coding change: c.3883G>C on transcript NM_002471.4 (MANE Select); coding-DNA position 3883, G replaced by C.
Protein change: p.Glu1295Gln; replaces glutamic acid 1295 with glutamine.
Molecular consequence: missense variant.
Genome position (GRCh38, 1-based): chr14:23,389,488, C>G on the plus strand (G>C on the coding strand, the complement: MYH6 is on the minus strand). VCF-style: chr14-23389488-C-G. GRCh37 (hg19) VCF-style: chr14-23858697-C-G.
Other names: short protein forms E1295Q.
Identifiers: ClinVar variation 44492 (VCV000044492.57), dbSNP rs34935550, ClinGen allele CA134354.